The following is an entry in ClinVar:

ClinVar aggregate classification (germline): Uncertain significance (1 of 4 stars; one submission).

Conditions:
Short-rib thoracic dysplasia 14 with polydactyly (SRTD14). Identifiers: Orphanet 397715, MedGen C4225286, MONDO:0014688, OMIM 616546.
Joubert syndrome 23 (JBTS23). Identifiers: Orphanet 475, MedGen C4084822, MONDO:0014664, OMIM 616490.

Allele frequency attached by ClinVar (database versions not stated): gnomAD exomes below 0.00001.

Submission:

Labcorp Genetics (formerly Invitae), Labcorp
Classification: Uncertain significance for Joubert syndrome 23; Short-rib thoracic dysplasia 14 with polydactyly. Last evaluated: 2022-07-19. Review status: criteria provided, single submitter. Criteria: Invitae Variant Classification Sherloc (09022015). Collection method: clinical testing. Allele origin: germline.
Comment: Algorithms developed to predict the effect of missense changes on protein structure and function are either unavailable or do not agree on the potential impact of this missense change (SIFT: "Deleterious"; PolyPhen-2: "Benign"; Align-GVGD: "Class C0"). In summary, the available evidence is currently insufficient to determine the role of this variant in disease. Therefore, it has been classified as a Variant of Uncertain Significance. Algorithms developed to predict the effect of sequence changes on RNA splicing suggest that this variant may create or strengthen a splice site. ClinVar contains an entry for this variant (Variation ID: 1514950). This variant has not been reported in the literature in individuals affected with KIAA0586-related conditions. The frequency data for this variant in the population databases is considered unreliable, as metrics indicate poor data quality at this position in the gnomAD database. This sequence change replaces isoleucine, which is neutral and non-polar, with valine, which is neutral and non-polar, at codon 1563 of the KIAA0586 protein (p.Ile1563Val).

NM_001329943.3(KIAA0586):c.4495+3779A>G

Gene: KIAA0586 (KIAA0586; plus strand). Cytogenetic location: 14q23.1.
Variant type: single nucleotide variant.
Coding change: c.4495+3779A>G on transcript NM_001329943.3 (MANE Select); 3779 bases into the intron after coding-DNA position 4495, A replaced by G.
Molecular consequence: intron variant. On other transcripts: missense variant (2).
Genome position (GRCh38, 1-based): chr14:58,543,915, A>G. VCF-style: chr14-58543915-A-G. GRCh37 (hg19) VCF-style: chr14-59010633-A-G.
Other names: c.4687A>G, p.Ile1563Val (NM_001244189.2); c.4528A>G, p.Ile1510Val (NM_001329944.2); c.4450+3779A>G (NM_001244190.2); c.4363+3779A>G (NM_001244192.2, NM_001329947.2); c.4240+3779A>G (NM_001244191.2, NM_001364701.2); c.4430-3866A>G (NM_001329946.2); c.4267+3779A>G (NM_014749.5); c.4175-3866A>G (NM_001329945.2); short protein forms I1563V, I1510V.
Identifiers: ClinVar variation 1514950 (VCV001514950.6), dbSNP rs968172462, ClinGen allele CA390059090.